The following is an entry in ClinVar:

NM_005862.3(STAG1):c.1526A>C (p.Glu509Ala)

Gene: STAG1 (STAG1 cohesin complex component; minus strand). Cytogenetic location: 3q22.3.
Variant type: single nucleotide variant.
Coding change: c.1526A>C on transcript NM_005862.3 (MANE Select); coding-DNA position 1526, A replaced by C.
Protein change: p.Glu509Ala; replaces glutamic acid 509 with alanine.
Molecular consequence: missense variant.
Genome position (GRCh38, 1-based): chr3:136,443,307, T>G on the plus strand (A>C on the coding strand, the complement: STAG1 is on the minus strand). VCF-style: chr3-136443307-T-G. GRCh37 (hg19) VCF-style: chr3-136162149-T-G.
Other names: short protein forms E509A.
Identifiers: ClinVar variation 4882126 (VCV004882126.2).

ClinVar aggregate classification (germline): Uncertain significance (1 of 4 stars; one submission).

Conditions:
Intellectual developmental disorder, autosomal dominant 47. Also called: MENTAL RETARDATION, AUTOSOMAL DOMINANT 47; Intellectual disability, autosomal dominant 47. Identifiers: Orphanet 502434, MedGen C4539951, MONDO:0030912, OMIM 617635.

gnomAD v4.1: 1 of 1,612,878 alleles (0.000062%); highest among the groups gnomAD compares: Non-Finnish European, 0.000085%; no homozygotes.

Submission:

Dasa
Classification: Uncertain significance for Intellectual developmental disorder, autosomal dominant 47. Last evaluated: 2025-04-14. Review status: criteria provided, single submitter. Criteria: DASA Assertion Criteria. Collection method: clinical testing. Allele origin: germline.
Comment: NM_005862.3(STAG1):c.1526A>C (p.Glu509Ala) is a missense variant that results in the substitution of glutamic acid with alanine. This variant is rare in population databases. Computational prediction algorithms are consistent with a benign effect. The currently available literature and clinical evidence are not sufficient to establish a definitive association between this variant and the reported condition. Therefore, this variant is classified as a variant of uncertain significance.